The following is an entry in ClinVar:

NM_022436.3(ABCG5):c.89C>T (p.Ala30Val)

Gene: ABCG5 (ATP binding cassette subfamily G member 5; minus strand). Cytogenetic location: 2p21.
Variant type: single nucleotide variant.
Coding change: c.89C>T on transcript NM_022436.3 (MANE Select); coding-DNA position 89, C replaced by T.
Protein change: p.Ala30Val; replaces alanine 30 with valine.
Molecular consequence: missense variant.
Genome position (GRCh38, 1-based): chr2:43,838,591, G>A on the plus strand (C>T on the coding strand, the complement: ABCG5 is on the minus strand). VCF-style: chr2-43838591-G-A. GRCh37 (hg19) VCF-style: chr2-44065730-G-A.
Other names: short protein forms A30V.
Identifiers: ClinVar variation 3413918 (VCV003413918.1).

ClinVar aggregate classification (germline): Uncertain significance (1 of 4 stars; one submission).

Conditions:
Cardiovascular phenotype. Identifiers: MedGen CN230736.

Submission:

Ambry Genetics
Classification: Uncertain significance for Cardiovascular phenotype. Last evaluated: 2024-12-09. Review status: criteria provided, single submitter. Criteria: Ambry Variant Classification Scheme 2023. Collection method: clinical testing. Allele origin: germline.
Comment: The p.A30V variant (also known as c.89C>T), located in coding exon 1 of the ABCG5 gene, results from a C to T substitution at nucleotide position 89. The alanine at codon 30 is replaced by valine, an amino acid with similar properties. This amino acid position is conserved. In addition, this alteration is predicted to be tolerated by in silico analysis. Based on the available evidence, the clinical significance of this variant remains unclear.